The following is an entry in ClinVar:

ClinVar aggregate classification (germline): Conflicting classifications of pathogenicity. Review status: criteria provided, conflicting classifications (1 of 4 stars). 2 submissions from 2 submitters: Uncertain significance (1); Likely benign (1). Last evaluated 2023-08-15.

Conditions:
Wilson disease (WND). Also called: Wilson's disease. Identifiers: Orphanet 905, MedGen C0019202, MONDO:0010200, OMIM 277900. Disease mechanism: loss of function.

Allele frequency attached by ClinVar (database versions not stated): TOPMed below 0.00001; ExAC 0.00001; gnomAD exomes 0.00001.
gnomAD v4.1: 14 of 1,613,928 alleles (0.00087%); highest among the groups gnomAD compares: Middle Eastern, 0.017%; no homozygotes.

Submissions (2):

All of Us Research Program, National Institutes of Health
Classification: Uncertain significance for Wilson disease. Last evaluated: 2023-08-15. Review status: criteria provided, single submitter. Criteria: ACMG Guidelines, 2015. Collection method: clinical testing. Allele origin: germline. Inheritance: Autosomal recessive inheritance. Observed: 1 variant allele, 1 heterozygote.
Comment: This variant causes a C to A nucleotide substitution at the -13 position of intron 1 of the ATP7B gene. To our knowledge, functional studies have not been reported for this variant. This variant has not been reported in individuals affected with ATP7B-related disorders in the literature. This variant has been identified in 2/249080 chromosomes in the general population by the Genome Aggregation Database (gnomAD). The available evidence is insufficient to determine the role of this variant in disease conclusively. Therefore, this variant is classified as a Variant of Uncertain Significance.

This study involves interpretation of variants in research participants for the purpose of population health screening. Participant phenotype was not available at the time of variant classification. Additional details can be found in publication PMID: 35346344, PMCID: PMC8962531

Labcorp Genetics (formerly Invitae), Labcorp
Classification: Likely benign for Wilson disease. Last evaluated: 2023-05-11. Review status: criteria provided, single submitter. Criteria: Invitae Variant Classification Sherloc (09022015). Collection method: clinical testing. Allele origin: germline.

NM_000053.4(ATP7B):c.52-13C>A

Gene: ATP7B (ATPase copper transporting beta; minus strand). Cytogenetic location: 13q14.3.
Variant type: single nucleotide variant.
Coding change: c.52-13C>A on transcript NM_000053.4 (MANE Select); 13 bases into the intron before coding-DNA position 52, C replaced by A.
Molecular consequence: intron variant.
Genome position (GRCh38, 1-based): chr13:51,975,181, G>T on the plus strand (C>A on the coding strand, the complement: ATP7B is on the minus strand). VCF-style: chr13-51975181-G-T. GRCh37 (hg19) VCF-style: chr13-52549317-G-T.
Other names: c.52-13C>A (NM_001406541.1, NM_001406531.1, NM_001406527.1 and 30 more transcripts); c.-45-13C>A (NM_001406543.1, NM_001406518.1, NM_001406539.1 and 4 more transcripts).
Identifiers: ClinVar variation 2920328 (VCV002920328.4), dbSNP rs750693417, ClinGen allele CA6989627.